The following is an entry in ClinVar:

ClinVar aggregate classification (germline): Uncertain significance (1 of 4 stars; one submission).

Conditions:
Inborn genetic diseases. Identifiers: MedGen C0950123, MeSH D030342.

gnomAD v4.1: 13 of 1,613,302 alleles (0.00081%); highest among the groups gnomAD compares: Non-Finnish European, 0.0011%; no homozygotes.

Submission:

Ambry Genetics
Classification: Uncertain significance for Inborn genetic diseases. Last evaluated: 2025-10-22. Review status: criteria provided, single submitter. Criteria: Ambry Variant Classification Scheme 2023. Collection method: clinical testing. Allele origin: germline.
Comment: The c.1761+6C>T intronic alteration consists of a C to T substitution nucleotides after coding exon 13 in the ATP2A2 gene. Based on data from gnomAD, the T allele has an overall frequency of 0.002% (5/280448) total alleles studied. The highest observed frequency was 0.004% (5/127400) of European (non-Finnish) alleles. Based on insufficient or conflicting evidence, the clinical significance of this alteration remains unclear.

NM_170665.4(ATP2A2):c.1761+6C>T

Gene: ATP2A2 (ATPase sarcoplasmic/endoplasmic reticulum Ca2+ transporting 2; plus strand). Cytogenetic location: 12q24.11.
Variant type: single nucleotide variant.
Coding change: c.1761+6C>T on transcript NM_170665.4 (MANE Select); 6 bases into the intron after coding-DNA position 1761, C replaced by T.
Molecular consequence: intron variant.
Genome position (GRCh38, 1-based): chr12:110,339,727, C>T. VCF-style: chr12-110339727-C-T. GRCh37 (hg19) VCF-style: chr12-110777532-C-T.
Other names: c.1386+6C>T (NM_001413015.1); c.1761+6C>T (NM_001413014.1, NM_001681.4); c.1656+6C>T (NM_001413013.1).
Identifiers: ClinVar variation 4590939 (VCV004590939.1).